The following is an entry in ClinVar:

ClinVar aggregate classification (germline): Benign (1 of 4 stars; one submission).

Conditions:
Seizures, benign familial neonatal, 2. Also called: CONVULSIONS, BENIGN FAMILIAL NEONATAL, 2; KCNQ3-Related Self-Limited Familial Neonatal Epilepsy (SLFNE); Benign Neonatal Epilepsy 2; KCNQ3-Related Benign Familial Neonatal Epilepsy; Seizures, benign neonatal, 2. Identifiers: Orphanet 1949, MedGen C1852581, MONDO:0007366, OMIM 121201.

Allele frequency attached by ClinVar (database versions not stated): gnomAD 0.00010 and 0.00014; 1000 Genomes Project 0.00060; 1000 Genomes Project 30x 0.00078; TOPMed 0.00027.

Submission:

Illumina Laboratory Services, Illumina
Classification: Benign for Seizures, benign familial neonatal, 2. Last evaluated: 2018-01-12. Review status: criteria provided, single submitter. Criteria: ICSL Variant Classification Criteria 13 December 2019. Collection method: clinical testing. Allele origin: germline.
Comment: This variant was observed in the ICSL laboratory as part of a predisposition screen in an ostensibly healthy population. It had not been previously curated by ICSL or reported in the Human Gene Mutation Database (HGMD: prior to June 1st, 2018), and was therefore a candidate for classification through an automated scoring system. Utilizing variant allele frequency, disease prevalence and penetrance estimates, and inheritance mode, an automated score was calculated to assess if this variant is too frequent to cause the disease. Based on the score and internal cut-off values, a variant classified as benign is not then subjected to further curation. The score for this variant resulted in a classification of benign for this disease.

NM_004519.4(KCNQ3):c.*7214G>A

Gene: KCNQ3 (potassium voltage-gated channel subfamily Q member 3; minus strand). Cytogenetic location: 8q24.22.
Variant type: single nucleotide variant.
Coding change: c.*7214G>A on transcript NM_004519.4 (MANE Select); 7214 bases downstream of the stop codon, G replaced by A.
Molecular consequence: 3 prime UTR variant.
Genome position (GRCh38, 1-based): chr8:132,122,048, C>T on the plus strand (G>A on the coding strand, the complement: KCNQ3 is on the minus strand). VCF-style: chr8-132122048-C-T. GRCh37 (hg19) VCF-style: chr8-133134295-C-T.
Other names: c.*7214G>A (NM_001204824.2).
Identifiers: ClinVar variation 361758 (VCV000361758.6), dbSNP rs150753935, ClinGen allele CA10630110.